The following is an entry in ClinVar:

NM_012193.4(FZD4):c.35G>T (p.Gly12Val)

Gene: FZD4 (frizzled class receptor 4; minus strand). Cytogenetic location: 11q14.2.
Variant type: single nucleotide variant.
Coding change: c.35G>T on transcript NM_012193.4 (MANE Select); coding-DNA position 35, G replaced by T.
Protein change: p.Gly12Val; replaces glycine 12 with valine.
Molecular consequence: missense variant.
Genome position (GRCh38, 1-based): chr11:86,955,051, C>A on the plus strand (G>T on the coding strand, the complement: FZD4 is on the minus strand). VCF-style: chr11-86955051-C-A. GRCh37 (hg19) VCF-style: chr11-86666093-C-A.
Other names: short protein forms G12V.
Identifiers: ClinVar variation 1714648 (VCV001714648.5), dbSNP rs2135045574, ClinGen allele CA382018631.

ClinVar aggregate classification (germline): Uncertain significance (1 of 4 stars; one submission).

Submission:

Labcorp Genetics (formerly Invitae), Labcorp
Classification: Uncertain significance. Last evaluated: 2022-09-13. Review status: criteria provided, single submitter. Criteria: Invitae Variant Classification Sherloc (09022015). Collection method: clinical testing. Allele origin: germline.
Comment: This sequence change replaces glycine, which is neutral and non-polar, with valine, which is neutral and non-polar, at codon 12 of the FZD4 protein (p.Gly12Val). This variant is not present in population databases (gnomAD no frequency). This variant has not been reported in the literature in individuals affected with FZD4-related conditions. Advanced modeling of protein sequence and biophysical properties (such as structural, functional, and spatial information, amino acid conservation, physicochemical variation, residue mobility, and thermodynamic stability) performed at Invitae indicates that this missense variant is not expected to disrupt FZD4 protein function. In summary, the available evidence is currently insufficient to determine the role of this variant in disease. Therefore, it has been classified as a Variant of Uncertain Significance.